The following is an entry in ClinVar:

ClinVar aggregate classification (germline): Pathogenic. Review status: criteria provided, single submitter (1 of 4 stars). 2 submissions from 2 submitters: Pathogenic (1). 1 of the submissions does not count toward it. Last evaluated 2024-06-07.

Conditions:
Mucopolysaccharidosis, MPS-II (MPS2). Also called: Mucopolysaccharidosis with skin involvement; Mucopolysaccharidosis type 2; Mucopolysaccharidosis Type II; SIDS deficiency; IDS deficiency; Sulfoiduronate sulfatase deficiency. Identifiers: Orphanet 580, Orphanet 79388, MedGen C0026705, MONDO:0010674, OMIM 309900.

Submissions (2):

Laboratory of Diagnosis and Therapy of Lysosomal Disorders, University of Padova
Classification: Pathogenic for Mucopolysaccharidosis, MPS-II. Last evaluated: 2024-06-07. Review status: criteria provided, single submitter. Criteria: ACMG Guidelines, 2015. Collection method: literature only. Allele origin: germline. Affected: yes. Observed: 4 variant alleles.
Comment: In vitro or in vivo functional studies supportive of a damaging effect (PS3_Moderate), Absent from controls (or at low frequency) in gnomAD database (PM2_Moderate), Protein length changes in a nonrepeat region or stop–loss variants (PM4_Strong), Multiple lines of computational evidence support a deleterious effect (PP3_Supporting), Patient’s phenotype or family history highly specific for the disease (PP4_Moderate)

Classification method: ACMG Guidelines [PMID:25741868] with modifications

OMIM
Classification: Pathogenic for MUCOPOLYSACCHARIDOSIS, TYPE II. Last evaluated: 2001-11-29. Review status: no assertion criteria provided. Collection method: literature only. Allele origin: germline. Not counted in ClinVar's aggregate classification.

Literature cited by the submitters: PubMed 11462244 (cited by Laboratory of Diagnosis and Therapy of Lysosomal Disorders, University of Padova); PubMed 9660053 (cited by Laboratory of Diagnosis and Therapy of Lysosomal Disorders, University of Padova); PubMed 8940265 (cited by Laboratory of Diagnosis and Therapy of Lysosomal Disorders, University of Padova); PubMed 28543354 (cited by Laboratory of Diagnosis and Therapy of Lysosomal Disorders, University of Padova); PubMed 7581397 (cited by OMIM); PubMed 11731225 (cited by OMIM).

NM_000202.8(IDS):c.349_351del (p.Ser117del)

Gene: IDS (iduronate 2-sulfatase; minus strand). Cytogenetic location: Xq28.
Variant type: Deletion.
Coding change: c.349_351del on transcript NM_000202.8 (MANE Select); coding-DNA positions 349 to 351, 3 bases deleted (TCC; older notation c.349_351delTCC).
Protein change: p.Ser117del; deletes serine 117.
Molecular consequence: inframe deletion. On other transcripts: non-coding transcript variant (1).
Genome position (GRCh38, 1-based): chrX:149,503,379-149,503,381, GGA deleted on the plus strand (TCC on the coding strand, the reverse complement: IDS is on the minus strand); deleting any 3 consecutive bases within chrX:149,503,379-149,503,382 gives the same sequence; the c. name uses the placement nearest the transcript's 3' end. VCF-style (leftmost placement, unchanged base first): chrX-149503378-TGGA-T. GRCh37 (hg19) VCF-style: chrX-148584908-TGGA-T.
Other names: c.79_81del, p.Ser27del (NM_001166550.4); c.349_351del, p.Ser117del (NM_006123.5); short protein forms S117del, S27del.
Identifiers: ClinVar variation 10501 (VCV000010501.3), dbSNP rs483352905, ClinGen allele CA255279.